The following is an entry in ClinVar:

NM_001931.5(DLAT):c.828G>T (p.Leu276=)

Gene: DLAT (dihydrolipoamide S-acetyltransferase; plus strand). Cytogenetic location: 11q23.1.
Variant type: single nucleotide variant.
Coding change: c.828G>T on transcript NM_001931.5 (MANE Select); coding-DNA position 828, G replaced by T.
Protein change: p.Leu276=; no amino-acid change (leucine 276 retained).
Molecular consequence: synonymous variant. On other transcripts: intron variant (2).
Genome position (GRCh38, 1-based): chr11:112,037,313, G>T. VCF-style: chr11-112037313-G-T. GRCh37 (hg19) VCF-style: chr11-111908037-G-T.
Other names: c.828G>T, p.Leu276= (NM_001372031.1, NM_001372032.1, NM_001372033.1 and 1 more transcripts); c.795G>T, p.Leu265= (NM_001372034.1); c.702G>T, p.Leu234= (NM_001372036.1); c.660G>T, p.Leu220= (NM_001372037.1); c.549G>T, p.Leu183= (NM_001372038.1); c.447G>T, p.Leu149= (NM_001372040.1); c.366G>T, p.Leu122= (NM_001372042.1); c.661-1931G>T (NM_001372039.1, NM_001372041.1).
Identifiers: ClinVar variation 302455 (VCV000302455.39), dbSNP rs199835215, ClinGen allele CA6276754.

ClinVar aggregate classification (germline): Likely benign. Review status: criteria provided, multiple submitters, no conflicts (2 of 4 stars). 5 submissions from 5 submitters: Likely benign (4). 1 of the submissions does not count toward it. Last evaluated 2025-08-02.

Conditions:
DLAT-related disorder. Also called: DLAT-related condition.
Pyruvate dehydrogenase E2 deficiency (PDHDD). Also called: LACTIC ACIDEMIA DUE TO DEFECT OF E2 LIPOYL TRANSACETYLASE OF THE PYRUVATE DEHYDROGENASE COMPLEX; Dihydrolipoamide Acetyltransferase (E2) Deficiency. Identifiers: Orphanet 765, Orphanet 79244, MedGen C1855565, MONDO:0009502, OMIM 245348.

Allele frequency attached by ClinVar (database versions not stated): ESP Exome Variant Server 0.00008; 1000 Genomes Project 30x 0.00016; gnomAD 0.00016; 1000 Genomes Project 0.00020; TOPMed 0.00032.
gnomAD v4.1: 580 of 1,614,102 alleles (0.036%); highest among the groups gnomAD compares: Non-Finnish European, 0.046%; 1 homozygote.

Submissions (5):

Labcorp Genetics (formerly Invitae), Labcorp
Classification: Likely benign for Pyruvate dehydrogenase E2 deficiency. Last evaluated: 2025-08-02. Review status: criteria provided, single submitter. Criteria: Invitae Variant Classification Sherloc (09022015). Collection method: clinical testing. Allele origin: germline.

Blueprint Genetics
Classification: Likely benign. Last evaluated: 2024-10-24. Review status: criteria provided, single submitter. Criteria: ACMG Guidelines, 2015. Collection method: clinical testing. Allele origin: germline.

CeGaT Center for Human Genetics Tuebingen
Classification: Likely benign. Last evaluated: 2022-11-01. Review status: criteria provided, single submitter. Criteria: CeGaT Center For Human Genetics Tuebingen Variant Classification Criteria Version 2. Collection method: clinical testing. Allele origin: germline. Affected: yes. Observed: 1 variant allele.
Comment: DLAT: BP4, BP7

GeneDx
Classification: Likely benign. Last evaluated: 2017-09-06. Review status: criteria provided, single submitter. Criteria: GeneDx Variant Classification (06012015). Collection method: clinical testing. Allele origin: germline. Affected: yes.
Comment: This variant is considered likely benign or benign based on one or more of the following criteria: it is a conservative change, it occurs at a poorly conserved position in the protein, it is predicted to be benign by multiple in silico algorithms, and/or has population frequency not consistent with disease.

PreventionGenetics, part of Exact Sciences
Classification: Likely benign for DLAT-related condition. Last evaluated: 2019-05-13. Review status: no assertion criteria provided. Collection method: clinical testing. Allele origin: germline. Not counted in ClinVar's aggregate classification.
Comment: This variant is classified as likely benign based on ACMG/AMP sequence variant interpretation guidelines (Richards et al. 2015 PMID: 25741868, with internal and published modifications).